The following is an entry in ClinVar:

NM_000142.5(FGFR3):c.1915G>A (p.Ala639Thr)

Gene: FGFR3 (fibroblast growth factor receptor 3; plus strand). Cytogenetic location: 4p16.3.
Variant type: single nucleotide variant.
Coding change: c.1915G>A on transcript NM_000142.5 (MANE Select); coding-DNA position 1915, G replaced by A.
Protein change: p.Ala639Thr; replaces alanine 639 with threonine.
Molecular consequence: missense variant. On other transcripts: non-coding transcript variant (1).
Genome position (GRCh38, 1-based): chr4:1,806,129, G>A. VCF-style: chr4-1806129-G-A. GRCh37 (hg19) VCF-style: chr4-1807856-G-A.
Other names: c.1921G>A, p.Ala641Thr (NM_001163213.2); c.1918G>A, p.Ala640Thr (NM_001354809.2, NM_001354810.2); c.1579G>A, p.Ala527Thr (NM_022965.4); short protein forms A527T, A639T, A640T, A641T.
Identifiers: ClinVar variation 2502472 (VCV002502472.2), dbSNP rs2546832324, ClinGen allele CA355982519.

ClinVar aggregate classification (germline): Uncertain significance (1 of 4 stars; one submission).

Submission:

GeneDx
Classification: Uncertain significance. Last evaluated: 2024-10-09. Review status: criteria provided, single submitter. Criteria: GeneDx Variant Classification Process June 2021. Collection method: clinical testing. Allele origin: germline.
Comment: Not observed at significant frequency in large population cohorts (gnomAD); In silico analysis supports that this missense variant has a deleterious effect on protein structure/function; Has not been previously published as pathogenic or benign to our knowledge; This variant is associated with the following publications: (PMID: 35793999)